The following is an entry in ClinVar:

ClinVar aggregate classification (germline): Pathogenic (1 of 4 stars; one submission).

Conditions:
Developmental and epileptic encephalopathy, 31A. Also called: Epileptic encephalopathy, early infantile, 31; Developmental and epileptic encephalopathy, 31. Identifiers: Orphanet 2382, MedGen C4225357, MONDO:0014598, OMIM 616346.

Submission:

Labcorp Genetics (formerly Invitae), Labcorp
Classification: Pathogenic for Developmental and epileptic encephalopathy, 31A. Last evaluated: 2022-09-19. Review status: criteria provided, single submitter. Criteria: Invitae Variant Classification Sherloc (09022015). Collection method: clinical testing. Allele origin: germline.
Comment: This sequence change creates a premature translational stop signal (p.Arg256Glnfs*30) in the DNM1 gene. It is expected to result in an absent or disrupted protein product. Loss-of-function variants in DNM1 are known to be pathogenic (PMID: 34172529). For these reasons, this variant has been classified as Pathogenic. ClinVar contains an entry for this variant (Variation ID: 1386547). This variant has not been reported in the literature in individuals affected with DNM1-related conditions. This variant is not present in population databases (gnomAD no frequency).

Literature cited by the submitters: PubMed 34172529.

NM_004408.4(DNM1):c.767del (p.Arg256fs)

Gene: DNM1 (dynamin 1; plus strand). Cytogenetic location: 9q34.11.
Variant type: Deletion.
Coding change: c.767del on transcript NM_004408.4 (MANE Select); coding-DNA position 767, one base deleted (G; older notation c.767delG).
Protein change: p.Arg256fs; shifts the reading frame from arginine 256.
Molecular consequence: frameshift variant.
Genome position (GRCh38, 1-based): chr9:128,220,259, G deleted. VCF-style (leftmost placement, unchanged base first): chr9-128220258-CG-C. GRCh37 (hg19) VCF-style: chr9-130982537-CG-C.
Other names: c.767del, p.Arg256fs (NM_001005336.3, NM_001288737.2, NM_001288738.2 and 2 more transcripts); short protein forms R256fs.
Identifiers: ClinVar variation 1386547 (VCV001386547.6), dbSNP rs2131158061, ClinGen allele CA2573144000.